The following is an entry in ClinVar:

ClinVar aggregate classification (germline): Likely benign (1 of 4 stars; one submission).

Allele frequency attached by ClinVar (database versions not stated): gnomAD exomes 0.00096; ESP Exome Variant Server 0.00108; gnomAD 0.00123; ExAC 0.00124; TOPMed 0.00125.
gnomAD v4.1: 1,704 of 1,613,834 alleles (0.11%); highest among the groups gnomAD compares: Middle Eastern, 0.35%; 15 homozygotes.

Submission:

CeGaT Center for Human Genetics Tuebingen
Classification: Likely benign. Last evaluated: 2023-03-01. Review status: criteria provided, single submitter. Criteria: CeGaT Center For Human Genetics Tuebingen Variant Classification Criteria Version 2. Collection method: clinical testing. Allele origin: germline. Affected: yes. Observed: 1 variant allele.
Comment: CNTF: BP4, BS2

NM_000614.4(CNTF):c.565C>T (p.Arg189Cys)

Genes: CNTF (ciliary neurotrophic factor; plus strand), ZFP91-CNTF (ZFP91-CNTF readthrough (NMD candidate); plus strand). Cytogenetic location: 11q12.1.
Variant type: single nucleotide variant.
Coding change: c.565C>T on transcript NM_000614.4 (MANE Select); coding-DNA position 565, C replaced by T.
Protein change: p.Arg189Cys; replaces arginine 189 with cysteine.
Molecular consequence: missense variant. On other transcripts: non-coding transcript variant (1).
Genome position (GRCh38, 1-based): chr11:58,624,484, C>T. VCF-style: chr11-58624484-C-T. GRCh37 (hg19) VCF-style: chr11-58391957-C-T.
Other names: short protein forms R189C.
Identifiers: ClinVar variation 2641806 (VCV002641806.23), dbSNP rs145968911, ClinGen allele CA6015084.